The following is an entry in ClinVar:

ClinVar aggregate classification (germline): Uncertain significance (1 of 4 stars; one submission).

Conditions:
Mucopolysaccharidosis, MPS-III-B (MPS3B). Also called: N-ACETYL-ALPHA-D-GLUCOSAMINIDASE DEFICIENCY; NAGLU DEFICIENCY; SANFILIPPO SYNDROME B; MPS III B; Mucopolysaccharidosis type IIIB (Sanfilippo B); MPS IIIB (Sanfilippo Syndrome Type B). Identifiers: Orphanet 79270, MedGen C0086648, MONDO:0009656, OMIM 252920.
Charcot-Marie-Tooth disease axonal type 2V. Also called: CHARCOT-MARIE-TOOTH NEUROPATHY, TYPE 2V; CHARCOT-MARIE-TOOTH DISEASE, AXONAL, AUTOSOMAL DOMINANT, TYPE 2V. Identifiers: Orphanet 447964, MedGen C5569050, MONDO:0014665, OMIM 616491.

Allele frequency attached by ClinVar (database versions not stated): gnomAD 0.00001.
gnomAD v4.1: 2 of 1,602,344 alleles (0.00012%); highest among the groups gnomAD compares: African/African-American, 0.0027%; no homozygotes.

Submission:

Labcorp Genetics (formerly Invitae), Labcorp
Classification: Uncertain significance for Charcot-Marie-Tooth disease axonal type 2V; Mucopolysaccharidosis, MPS-III-B. Last evaluated: 2022-03-18. Review status: criteria provided, single submitter. Criteria: Invitae Variant Classification Sherloc (09022015). Collection method: clinical testing. Allele origin: germline.
Comment: This sequence change replaces arginine, which is basic and polar, with methionine, which is neutral and non-polar, at codon 495 of the NAGLU protein (p.Arg495Met). This variant is not present in population databases (gnomAD no frequency). This variant has not been reported in the literature in individuals affected with NAGLU-related conditions. Algorithms developed to predict the effect of missense changes on protein structure and function are either unavailable or do not agree on the potential impact of this missense change (SIFT: "Tolerated"; PolyPhen-2: "Possibly Damaging"; Align-GVGD: "Class C0"). In summary, the available evidence is currently insufficient to determine the role of this variant in disease. Therefore, it has been classified as a Variant of Uncertain Significance.

NM_000263.4(NAGLU):c.1484G>T (p.Arg495Met)

Gene: NAGLU (N-acetyl-alpha-glucosaminidase; plus strand). Cytogenetic location: 17q21.2.
Variant type: single nucleotide variant.
Coding change: c.1484G>T on transcript NM_000263.4 (MANE Select); coding-DNA position 1484, G replaced by T.
Protein change: p.Arg495Met; replaces arginine 495 with methionine.
Molecular consequence: missense variant.
Genome position (GRCh38, 1-based): chr17:42,543,490, G>T. VCF-style: chr17-42543490-G-T. GRCh37 (hg19) VCF-style: chr17-40695508-G-T.
Other names: short protein forms R495M.
Identifiers: ClinVar variation 1947353 (VCV001947353.2), dbSNP rs1167097629, ClinGen allele CA399603963.